The following is an entry in ClinVar:

NM_001040716.2(PC):c.921_927dup (p.Val310fs)

Gene: PC (pyruvate carboxylase; minus strand). Cytogenetic location: 11q13.2.
Variant type: Duplication.
Coding change: c.921_927dup on transcript NM_001040716.2 (MANE Select); coding-DNA positions 921 to 927, 7 bases duplicated (AGGCACC; older notation c.921_927dupAGGCACC).
Protein change: p.Val310fs; shifts the reading frame from valine 310.
Molecular consequence: frameshift variant.
Genome position (GRCh38, 1-based): chr11:66,868,941-66,868,947, GGTGCCT duplicated on the plus strand (AGGCACC on the coding strand, the reverse complement: PC is on the minus strand); duplicating any 7 consecutive bases within chr11:66,868,941-66,868,948 gives the same sequence; the c. name uses the placement nearest the transcript's 3' end. VCF-style (leftmost placement, unchanged base first): chr11-66868940-C-CGGTGCCT. GRCh37 (hg19) VCF-style: chr11-66636411-C-CGGTGCCT.
Other names: c.921_927dup, p.Val310fs (NM_000920.4, NM_001439352.1, NM_001439353.1 and 5 more transcripts); short protein forms V310fs.
Identifiers: ClinVar variation 5015660 (VCV005015660.1).

ClinVar aggregate classification (germline): Pathogenic (1 of 4 stars; one submission).

Conditions:
Pyruvate carboxylase deficiency. Also called: ATAXIA WITH LACTIC ACIDOSIS II; LEIGH NECROTIZING ENCEPHALOPATHY DUE TO PYRUVATE CARBOXYLASE DEFICIENCY; LEIGH SYNDROME DUE TO PYRUVATE CARBOXYLASE DEFICIENCY; PC DEFICIENCY; Pyruvate Carboxylase Deficiency Disease. Identifiers: Orphanet 3008, MedGen C0034341, MONDO:0009949, OMIM 266150.

Submission:

Myriad Genetics, Inc.
Classification: Pathogenic for Pyruvate carboxylase deficiency. Last evaluated: 2026-03-10. Review status: criteria provided, single submitter. Criteria: Myriad Autosomal Dominant, Autosomal Recessive and X-Linked Classification Criteria (2023). Collection method: clinical testing. Allele origin: unknown.
Comment: NM_000920.3(PC):c.921_927dup7(V310Rfs*46) is expected to be pathogenic in the context of pyruvate carboxylase deficiency. This variant is predicted to lead to an abnormal or absent protein product due to the creation of a premature termination codon in PC, a gene where loss-of-function variants are known to be pathogenic. Please note: this variant was assessed in the context of healthy population screening.